The following is an entry in ClinVar:

ClinVar aggregate classification (germline): Likely pathogenic (1 of 4 stars; one submission).

Conditions:
Sotos syndrome (SOTOS). Also called: Sotos' syndrome; Distinctive facial appearance, overgrowth in childhood, and learning disabilities or delayed development; CHROMOSOME 5q35 DELETION SYNDROME; CEREBRAL GIGANTISM; SOTOS SYNDROME 1. Identifiers: Orphanet 821, MedGen C0175695, MONDO:0019349, OMIM 117550.

Submission:

Laboratory of Medical Genetics, National & Kapodistrian University of Athens
Classification: Likely pathogenic for Sotos syndrome. Last evaluated: 2022-04-13. Review status: criteria provided, single submitter. Criteria: ACMG Guidelines, 2015. Collection method: clinical testing. Allele origin: germline. Affected: yes.
Comment: PM1, PM2, PP3

NM_022455.5(NSD1):c.5858G>T (p.Gly1953Val)

Gene: NSD1 (nuclear receptor binding SET domain protein 1; plus strand). Cytogenetic location: 5q35.3.
Variant type: single nucleotide variant.
Coding change: c.5858G>T on transcript NM_022455.5 (MANE Select); coding-DNA position 5858, G replaced by T.
Protein change: p.Gly1953Val; replaces glycine 1953 with valine.
Molecular consequence: missense variant.
Genome position (GRCh38, 1-based): chr5:177,280,800, G>T. VCF-style: chr5-177280800-G-T. GRCh37 (hg19) VCF-style: chr5-176707801-G-T.
Other names: c.4985G>T, p.Gly1662Val (NM_001365684.2, NM_001409308.1, NM_001409309.1 and 1 more transcripts); c.5858G>T, p.Gly1953Val (NM_001409301.1, NM_001409302.1, NM_001409303.1); c.5438G>T, p.Gly1813Val (NM_001409304.1); c.5105G>T, p.Gly1702Val (NM_001409305.1); c.5096G>T, p.Gly1699Val (NM_001409306.1, NM_001409307.1); short protein forms G1662V, G1684V, G1699V, G1702V, G1813V, G1953V.
Identifiers: ClinVar variation 1708152 (VCV001708152.2), dbSNP rs2127257578, ClinGen allele CA362313762.